The following is an entry in ClinVar:

ClinVar aggregate classification (germline): Pathogenic (1 of 4 stars; one submission).

Submission:

ISCA site 4
Classification: Pathogenic. Last evaluated: 2011-08-12. Review status: criteria provided, single submitter. Criteria: Kaminsky et al. (Genet Med. 2011). Collection method: clinical testing. Allele origin: paternal. Affected: yes. Observed: 1 variant allele.
Comment: Copy number variation identified through the course of routine clinical cytogenomic testing in postnatal populations. Clinical assertions have been curated as described in Kaminsky et al. 2011.

GRCh38/hg38 13q33.3-34(chr13:108743171-114327173)x1

Genes: ADPRHL1 (ADP-ribosylhydrolase like 1; minus strand), ANKRD10 (ankyrin repeat domain 10; minus strand), ANKRD10-IT1 (ANKRD10 intronic transcript 1), ARHGEF7 (Rho guanine nucleotide exchange factor 7; plus strand), ARHGEF7-AS1 (ARHGEF7 antisense RNA 1; minus strand) and 269 more. Cytogenetic location: 13q33.3-34.
Variant type: copy number loss.
Change: copy number 1 (one copy instead of two) of chr13:108,743,171-114,327,173 (5.58 Mb, GRCh38 coordinates, 1-based), cytogenetic band 13q33.3-34.
Identifiers: ClinVar variation 56998 (VCV000056998.1).